The following is an entry in ClinVar:

ClinVar aggregate classification (germline): Uncertain significance (1 of 4 stars; one submission).

Submission:

Labcorp Genetics (formerly Invitae), Labcorp
Classification: Uncertain significance. Last evaluated: 2025-06-08. Review status: criteria provided, single submitter. Criteria: Invitae Variant Classification Sherloc (09022015). Collection method: clinical testing. Allele origin: germline.
Comment: This sequence change replaces alanine, which is neutral and non-polar, with proline, which is neutral and non-polar, at codon 1093 of the TTC37 protein (p.Ala1093Pro). This variant is not present in population databases (gnomAD no frequency). This missense change has been observed in individual(s) with early onset inflammatory bowel disease (PMID: 38976627). An algorithm developed to predict the effect of missense changes on protein structure and function (PolyPhen-2) suggests that this variant is likely to be disruptive. In summary, the available evidence is currently insufficient to determine the role of this variant in disease. Therefore, it has been classified as a Variant of Uncertain Significance.

Literature cited by the submitters: PubMed 38976627.

NM_014639.4(SKIC3):c.3277G>C (p.Ala1093Pro)

Gene: SKIC3 (SKI3 subunit of superkiller complex; minus strand). Cytogenetic location: 5q15.
Variant type: single nucleotide variant.
Coding change: c.3277G>C on transcript NM_014639.4 (MANE Select); coding-DNA position 3277, G replaced by C.
Protein change: p.Ala1093Pro; replaces alanine 1093 with proline.
Molecular consequence: missense variant.
Genome position (GRCh38, 1-based): chr5:95,502,944, C>G on the plus strand (G>C on the coding strand, the complement: SKIC3 is on the minus strand). VCF-style: chr5-95502944-C-G. GRCh37 (hg19) VCF-style: chr5-94838648-C-G.
Other names: short protein forms A1093P.
Identifiers: ClinVar variation 4710731 (VCV004710731.1).
Genomic context (GRCh38, chr5:95,502,944, plus strand): 5'-TAAATAGCAATGTCTTGGCTACATCCGTTTTTCCTTGTTTATATTCAGTTATTGCCAGAG[C>G]TGTCAAGATATGGGCTTTGTCTTGCTCCGATTCAACAATAGACAAGGCTCTCTCATAGGC-3'
Protein context (NP_055454.1, residues 1083-1103): SEQDKAHILT[Ala1093Pro]LAITEYKQGK